The following is an entry in ClinVar:

NM_001447.3(FAT2):c.4819G>A (p.Ala1607Thr)

Genes: FAT2 (FAT atypical cadherin 2; minus strand), SLC36A1 (solute carrier family 36 member 1; plus strand). Cytogenetic location: 5q33.1.
Variant type: single nucleotide variant.
Coding change: c.4819G>A on transcript NM_001447.3 (MANE Select); coding-DNA position 4819, G replaced by A.
Protein change: p.Ala1607Thr; replaces alanine 1607 with threonine.
Molecular consequence: missense variant.
Genome position (GRCh38, 1-based): chr5:151,546,308, C>T on the plus strand (G>A on the coding strand, the complement: FAT2 is on the minus strand). VCF-style: chr5-151546308-C-T. GRCh37 (hg19) VCF-style: chr5-150925869-C-T.
Other names: short protein forms A1607T.
Identifiers: ClinVar variation 1958875 (VCV001958875.5), dbSNP rs916463276, ClinGen allele CA129961781.

ClinVar aggregate classification (germline): Uncertain significance (1 of 4 stars; one submission).

Allele frequency attached by ClinVar (database versions not stated): gnomAD 0.00001; gnomAD exomes 0.00001; TOPMed 0.00003.
gnomAD v4.1: 9 of 1,613,234 alleles (0.00056%); highest among the groups gnomAD compares: Non-Finnish European, 0.00076%; no homozygotes.

Submission:

Labcorp Genetics (formerly Invitae), Labcorp
Classification: Uncertain significance. Last evaluated: 2022-03-26. Review status: criteria provided, single submitter. Criteria: Invitae Variant Classification Sherloc (09022015). Collection method: clinical testing. Allele origin: germline.
Comment: In summary, the available evidence is currently insufficient to determine the role of this variant in disease. Therefore, it has been classified as a Variant of Uncertain Significance. Algorithms developed to predict the effect of missense changes on protein structure and function output the following: SIFT: "Tolerated"; PolyPhen-2: "Benign"; Align-GVGD: "Class C0". The threonine amino acid residue is found in multiple mammalian species, which suggests that this missense change does not adversely affect protein function. This variant has not been reported in the literature in individuals affected with FAT2-related conditions. This variant is not present in population databases (gnomAD no frequency). This sequence change replaces alanine, which is neutral and non-polar, with threonine, which is neutral and polar, at codon 1607 of the FAT2 protein (p.Ala1607Thr).